The following is an entry in ClinVar:

NM_001145026.2(PTPRQ):c.616_619del (p.Ile206fs)

Gene: PTPRQ (protein tyrosine phosphatase receptor type Q; plus strand). Cytogenetic location: 12q21.31.
Variant type: Deletion.
Coding change: c.616_619del on transcript NM_001145026.2 (MANE Select); coding-DNA positions 616 to 619, 4 bases deleted (ATCA; older notation c.616_619delATCA).
Protein change: p.Ile206fs; shifts the reading frame from isoleucine 206.
Molecular consequence: frameshift variant.
Genome position (GRCh38, 1-based): chr12:80,459,439-80,459,442, ATCA deleted; deleting any 4 consecutive bases within chr12:80,459,436-80,459,442 gives the same sequence; the c. name uses the placement nearest the transcript's 3' end. VCF-style (leftmost placement, unchanged base first): chr12-80459435-CTCAA-C. GRCh37 (hg19) VCF-style: chr12-80850734-CTGAT-C.
Other names: short protein forms I206fs.
Identifiers: ClinVar variation 5005176 (VCV005005176.2).

ClinVar aggregate classification (germline): Likely pathogenic (1 of 4 stars; one submission).

Conditions:
Autosomal recessive nonsyndromic hearing loss 84A. Also called: DEAFNESS, AUTOSOMAL RECESSIVE 84A; DEAFNESS, AUTOSOMAL RECESSIVE 84A, WITH VESTIBULAR DYSFUNCTION. Identifiers: Orphanet 90636, MedGen C3150654, MONDO:0013249, OMIM 613391.

Submission:

Juno Genomics, Hangzhou Juno Genomics, Inc
Classification: Likely pathogenic for Autosomal recessive nonsyndromic hearing loss 84A. Review status: criteria provided, single submitter. Criteria: ACMG Guidelines, 2015. Collection method: clinical testing. Allele origin: germline.
Comment: Null variant in a gene where loss of function (LOF) is a known mechanism of disease.;Absent from controls (or at extremely low frequency if recessive) in Genome Aggregation Database.